The following is an entry in ClinVar:

ClinVar aggregate classification (germline): Uncertain significance. Review status: criteria provided, multiple submitters, no conflicts (2 of 4 stars). 4 submissions from 4 submitters: Uncertain significance (4). Last evaluated 2026-02-19.

Conditions:
Hereditary nonpolyposis colorectal neoplasms. Identifiers: MedGen C0009405, MeSH D003123.
Lynch syndrome. Identifiers: Orphanet 144, MedGen C4552100, MONDO:0005835. Disease mechanism: loss of function.
Hereditary cancer-predisposing syndrome. Also called: Hereditary neoplastic syndrome; Tumor predisposition; Neoplastic Syndromes, Hereditary; Hereditary Cancer Syndrome. Identifiers: Orphanet 140162, MedGen C0027672, MeSH D009386, MONDO:0015356.

Submissions (4):

Ambry Genetics
Classification: Uncertain significance for Hereditary cancer-predisposing syndrome. Last evaluated: 2026-02-19. Review status: criteria provided, single submitter. Criteria: Ambry Variant Classification Scheme 2023. Collection method: clinical testing. Allele origin: germline.
Comment: The p.S1195N variant (also known as c.3584G>A), located in coding exon 7 of the MSH6 gene, results from a G to A substitution at nucleotide position 3584. The serine at codon 1195 is replaced by asparagine, an amino acid with highly similar properties. This amino acid position is highly conserved in available vertebrate species. In addition, the in silico prediction for this alteration is inconclusive. Based on the available evidence, the clinical significance of this variant remains unclear.

Labcorp Genetics (formerly Invitae), Labcorp
Classification: Uncertain significance for Hereditary nonpolyposis colorectal neoplasms. Last evaluated: 2025-04-09. Review status: criteria provided, single submitter. Criteria: Invitae Variant Classification Sherloc (09022015). Collection method: clinical testing. Allele origin: germline.
Comment: This sequence change replaces serine, which is neutral and polar, with asparagine, which is neutral and polar, at codon 1195 of the MSH6 protein (p.Ser1195Asn). This variant is not present in population databases (gnomAD no frequency). This variant has not been reported in the literature in individuals affected with MSH6-related conditions. ClinVar contains an entry for this variant (Variation ID: 1332186). Invitae Evidence Modeling of protein sequence and biophysical properties (such as structural, functional, and spatial information, amino acid conservation, physicochemical variation, residue mobility, and thermodynamic stability) indicates that this missense variant is not expected to disrupt MSH6 protein function with a negative predictive value of 95%. In summary, the available evidence is currently insufficient to determine the role of this variant in disease. Therefore, it has been classified as a Variant of Uncertain Significance.

Department of Pathology and Laboratory Medicine, Sinai Health System
Classification: Uncertain significance for Lynch syndrome. Last evaluated: 2024-04-15. Review status: criteria provided, single submitter. Criteria: ACMG Guidelines, 2015. Collection method: clinical testing. Allele origin: germline. Affected: yes.

Color Diagnostics, LLC DBA Color Health
Classification: Uncertain significance for Hereditary cancer-predisposing syndrome. Last evaluated: 2024-03-06. Review status: criteria provided, single submitter. Criteria: ACMG Guidelines, 2015. Collection method: clinical testing. Allele origin: germline.
Comment: This missense variant replaces serine with asparagine at codon 1195 of the MSH6 protein. Computational prediction suggests that this variant may not impact protein structure and function (internally defined REVEL score threshold <= 0.5, PMID: 27666373). To our knowledge, functional studies have not been reported for this variant. This variant has not been reported in individuals affected with hereditary cancer in the literature. This variant has not been identified in the general population by the Genome Aggregation Database (gnomAD). The available evidence is insufficient to determine the role of this variant in disease conclusively. Therefore, this variant is classified as a Variant of Uncertain Significance.

NM_000179.3(MSH6):c.3584G>A (p.Ser1195Asn)

Gene: MSH6 (mutS homolog 6; plus strand). Cytogenetic location: 2p16.3.
Variant type: single nucleotide variant.
Coding change: c.3584G>A on transcript NM_000179.3 (MANE Select); coding-DNA position 3584, G replaced by A.
Protein change: p.Ser1195Asn; replaces serine 1195 with asparagine.
Molecular consequence: missense variant.
Genome position (GRCh38, 1-based): chr2:47,805,645, G>A. VCF-style: chr2-47805645-G-A. GRCh37 (hg19) VCF-style: chr2-48032784-G-A.
Other names: c.3194G>A, p.Ser1065Asn (NM_001281492.2); c.2678G>A, p.Ser893Asn (NM_001281493.2, NM_001281494.2); short protein forms S1065N, S1195N, S893N.
Identifiers: ClinVar variation 1332186 (VCV001332186.6), dbSNP rs758428552, ClinGen allele CA346760521.